The following is an entry in ClinVar:

ClinVar aggregate classification (germline): Pathogenic. Review status: criteria provided, multiple submitters, no conflicts (2 of 4 stars). 8 submissions from 8 submitters: Pathogenic (5). 3 of the submissions do not count toward it. Last evaluated 2025-04-23.

Conditions:
BBS1-related disorder. Also called: BBS1-related condition.
Bardet-Biedl syndrome (BBS). Identifiers: Orphanet 110, MedGen C0752166, MONDO:0015229.
Bardet-Biedl syndrome 1 (BBS1). Identifiers: MedGen C2936862, MONDO:0008854, OMIM 209900. Disease mechanism: loss of function.

Allele frequency attached by ClinVar (database versions not stated): ExAC 0.00001; TOPMed 0.00002; gnomAD exomes below 0.00001.
gnomAD v4.1: 2 of 1,610,648 alleles (0.00012%); highest among the groups gnomAD compares: Admixed American, 0.0017%; no homozygotes.

Submissions (8):

Labcorp Genetics (formerly Invitae), Labcorp
Classification: Pathogenic for Bardet-Biedl syndrome. Last evaluated: 2025-04-23. Review status: criteria provided, single submitter. Criteria: Invitae Variant Classification Sherloc (09022015). Collection method: clinical testing. Allele origin: germline.
Comment: This sequence change affects a donor splice site in intron 4 of the BBS1 gene. It is expected to disrupt RNA splicing. Variants that disrupt the donor or acceptor splice site typically lead to a loss of protein function (PMID: 16199547), and loss-of-function variants in BBS1 are known to be pathogenic (PMID: 12118255, 21520335, 27032803). This variant is present in population databases (rs587777829, gnomAD no frequency). Disruption of this splice site has been observed in individuals with Bardet-Biedl syndrome (PMID: 12118255; internal data). ClinVar contains an entry for this variant (Variation ID: 12145). Algorithms developed to predict the effect of sequence changes on RNA splicing suggest that this variant may disrupt the consensus splice site. For these reasons, this variant has been classified as Pathogenic.

Natera, Inc.
Classification: Pathogenic for Bardet-Biedl syndrome type 1. Last evaluated: 2024-09-26. Review status: criteria provided, single submitter. Criteria: Natera Variant Classification Schema (03/2026). Collection method: clinical testing. Allele origin: germline.
Comment: The c.432+1G>A variant in BBS1 is a canonical splice donor site variant predicted to affect pre-mRNA splicing, which may result in an abnormal transcript and altered protein product. This variant is expected to result in nonsense mediated decay, truncation, or a dysfunctional protein product. This variant is rare in the general population with a frequency below the threshold expected for the associated phenotype(s). Given the available evidence, this variant is classified as Pathogenic.

GeneDx
Classification: Pathogenic. Last evaluated: 2024-07-21. Review status: criteria provided, single submitter. Criteria: GeneDx Variant Classification Process June 2021. Collection method: clinical testing. Allele origin: germline. Affected: yes.
Comment: Canonical splice site variant predicted to result in an in-frame loss of the adjacent exon in a gene for which loss of function is a known mechanism of disease; Not observed at significant frequency in large population cohorts (gnomAD); This variant is associated with the following publications: (PMID: 25525159, 12118255, 34526762, 32037395, 32349990)

Fulgent Genetics
Classification: Pathogenic for Bardet-Biedl syndrome 1. Last evaluated: 2024-02-06. Review status: criteria provided, single submitter. Criteria: ACMG Guidelines, 2015. Collection method: clinical testing. Allele origin: germline.

Women's Health and Genetics/Laboratory Corporation of America, LabCorp
Classification: Pathogenic for Bardet-Biedl syndrome. Last evaluated: 2022-03-04. Review status: criteria provided, single submitter. Criteria: LabCorp Variant Classification Summary - May 2015. Collection method: clinical testing. Allele origin: germline.
Comment: Variant summary: BBS1 c.432+1G>A is located in a canonical splice-site and is predicted to affect mRNA splicing resulting in a significantly altered protein due to either exon skipping, shortening, or inclusion of intronic material. Several computational tools predict a significant impact on normal splicing: Four predict the variant abolishes the canonical 5' splicing donor site. However, these predictions have yet to be confirmed by functional studies. The variant was absent in 247266 control chromosomes. c.432+1G>A has been reported in the literature as a compound heterozygous genotype in at-least one individual affected with Bardet-Biedl Syndrome (example, Mykytyn_2002, Zampaglione_2020, Guardiola_2021). These data indicate that the variant may be associated with disease. To our knowledge, no experimental evidence demonstrating an impact on protein function has been reported. One clinical diagnostic laboratory has submitted clinical-significance assessments for this variant to ClinVar after 2014 and classified the variant as pathogenic. Based on the evidence outlined above, the variant was classified as pathogenic.

OMIM
Classification: Pathogenic for BARDET-BIEDL SYNDROME 1. Last evaluated: 2025-06-12. Review status: no assertion criteria provided. Collection method: literature only. Allele origin: germline. Not counted in ClinVar's aggregate classification.

PreventionGenetics, part of Exact Sciences
Classification: Pathogenic for BBS1-related condition. Last evaluated: 2024-08-28. Review status: no assertion criteria provided. Collection method: clinical testing. Allele origin: germline. Not counted in ClinVar's aggregate classification.
Comment: The BBS1 c.432+1G>A variant is predicted to disrupt the GT donor site and interfere with normal splicing. This variant has been reported in the homozygous and compound heterozygous state in patients with Bardet-Biedl syndrome (Mykytyn et al. 2002. PubMed ID: 12118255; Saeed et al. 2020. PubMed ID: 32349990). This variant has not been reported in a large population database, indicating this variant is rare. Variants that disrupt consensus GT splice donor sites in BBS1 are expected to be pathogenic. In summary, this variant is classified as pathogenic.

Counsyl
Classification: Likely pathogenic for Bardet-Biedl syndrome. Last evaluated: 2014-03-12. Review status: no assertion criteria provided. Collection method: literature only. Allele origin: unknown. Inheritance: Autosomal recessive inheritance. Not counted in ClinVar's aggregate classification.

Literature cited by the submitters: PubMed 16199547 (cited by Labcorp Genetics (formerly Invitae), Labcorp); PubMed 12118255 (cited by 3 submitters); PubMed 21520335 (cited by Labcorp Genetics (formerly Invitae), Labcorp); PubMed 27032803 (cited by Labcorp Genetics (formerly Invitae), Labcorp); PubMed 32037395 (cited by Women's Health and Genetics/Laboratory Corporation of America, LabCorp); PubMed 34526762 (cited by Women's Health and Genetics/Laboratory Corporation of America, LabCorp); Mykytyn, K. Personal Communication. 2002. Iowa City, Iowa (cited by OMIM).

NM_024649.5(BBS1):c.432+1G>A

Gene: BBS1 (Bardet-Biedl syndrome 1; plus strand). Cytogenetic location: 11q13.2.
Variant type: single nucleotide variant.
Coding change: c.432+1G>A on transcript NM_024649.5 (MANE Select); the canonical splice donor site of the intron after coding-DNA position 432, G replaced by A.
Molecular consequence: splice donor variant.
Genome position (GRCh38, 1-based): chr11:66,514,679, G>A. VCF-style: chr11-66514679-G-A. GRCh37 (hg19) VCF-style: chr11-66282150-G-A.
Other names: IVS4, G-A, +1.
Identifiers: ClinVar variation 12145 (VCV000012145.25), dbSNP rs587777829, ClinGen allele CA256228.